The following is an entry in ClinVar:

NM_015294.6(TRIM37):c.29C>T (p.Ala10Val)

Gene: TRIM37 (tripartite motif containing 37; minus strand). Cytogenetic location: 17q22.
Variant type: single nucleotide variant.
Coding change: c.29C>T on transcript NM_015294.6 (MANE Select); coding-DNA position 29, C replaced by T.
Protein change: p.Ala10Val; replaces alanine 10 with valine.
Molecular consequence: missense variant. On other transcripts: 5 prime UTR variant (2), non-coding transcript variant (1), intron variant (3).
Genome position (GRCh38, 1-based): chr17:59,104,387, G>A on the plus strand (C>T on the coding strand, the complement: TRIM37 is on the minus strand). VCF-style: chr17-59104387-G-A. GRCh37 (hg19) VCF-style: chr17-57181748-G-A.
Other names: c.29C>T, p.Ala10Val (NM_001320989.3, NM_001353084.2, NM_001353086.2 and 2 more transcripts); c.-414C>T (NM_001320990.3); c.-724C>T (NM_001353083.2); c.-252+2054C>T (NM_001353085.2); c.21+2054C>T (NM_001320987.3, NM_001353082.2); short protein forms A10V.
Identifiers: ClinVar variation 3771390 (VCV003771390.13).
Genomic context (GRCh38, chr17:59,104,387, plus strand): 5'-TGAGGACACAGGCGTGCATCCCGCAATTTCTCCATACAAATGAAACATCGGAAAACCTCA[G>A]CAATGCTCTGAAAACAGTAAAAGATGTAAGGTCCACCAGTTTAGGCTACTGAATCAAGAG-3'
Protein context (NP_056109.1, residues 1-20): MDEQSVESI[Ala10Val]EVFRCFICME

ClinVar aggregate classification (germline): Uncertain significance (1 of 4 stars; one submission).

gnomAD v4.1: 13 of 1,613,946 alleles (0.00081%); highest among the groups gnomAD compares: Admixed American, 0.013%; no homozygotes.

Submission:

CeGaT Center for Human Genetics Tuebingen
Classification: Uncertain significance. Last evaluated: 2025-02-01. Review status: criteria provided, single submitter. Criteria: CeGaT Center For Human Genetics Tuebingen Variant Classification Criteria Version 2. Collection method: clinical testing. Allele origin: germline. Affected: yes. Observed: 1 variant allele.
Comment: TRIM37: PM2